The following is an entry in ClinVar:

NM_020937.4(FANCM):c.4514A>T (p.Lys1505Met)

Gene: FANCM (FA complementation group M; plus strand). Cytogenetic location: 14q21.2.
Variant type: single nucleotide variant.
Coding change: c.4514A>T on transcript NM_020937.4 (MANE Select); coding-DNA position 4514, A replaced by T.
Protein change: p.Lys1505Met; replaces lysine 1505 with methionine.
Molecular consequence: missense variant.
Genome position (GRCh38, 1-based): chr14:45,183,901, A>T. VCF-style: chr14-45183901-A-T. GRCh37 (hg19) VCF-style: chr14-45653104-A-T.
Other names: c.4436A>T, p.Lys1479Met (NM_001308133.2); short protein forms K1505M, K1479M.
Identifiers: ClinVar variation 4716540 (VCV004716540.1).

ClinVar aggregate classification (germline): Uncertain significance (1 of 4 stars; one submission).

Conditions:
Fanconi anemia (FA). Also called: Fanconi's anemia. Identifiers: Orphanet 84, MedGen C0015625, MeSH D005199, MONDO:0019391.

Submission:

Labcorp Genetics (formerly Invitae), Labcorp
Classification: Uncertain significance for Fanconi anemia. Last evaluated: 2025-04-02. Review status: criteria provided, single submitter. Criteria: Invitae Variant Classification Sherloc (09022015). Collection method: clinical testing. Allele origin: germline.
Comment: This sequence change replaces lysine, which is basic and polar, with methionine, which is neutral and non-polar, at codon 1505 of the FANCM protein (p.Lys1505Met). This variant is not present in population databases (gnomAD no frequency). This variant has not been reported in the literature in individuals affected with FANCM-related conditions. An algorithm developed to predict the effect of missense changes on protein structure and function (PolyPhen-2) suggests that this variant is likely to be disruptive. Algorithms developed to predict the effect of sequence changes on RNA splicing suggest that this variant may disrupt the consensus splice site. In summary, the available evidence is currently insufficient to determine the role of this variant in disease. Therefore, it has been classified as a Variant of Uncertain Significance.